The following is an entry in ClinVar:

NM_000153.4(GALC):c.1871T>A (p.Val624Asp)

Gene: GALC (galactosylceramidase; minus strand). Cytogenetic location: 14q31.3.
Variant type: single nucleotide variant.
Coding change: c.1871T>A on transcript NM_000153.4 (MANE Select); coding-DNA position 1871, T replaced by A.
Protein change: p.Val624Asp; replaces valine 624 with aspartic acid.
Molecular consequence: missense variant.
Genome position (GRCh38, 1-based): chr14:87,939,945, A>T on the plus strand (T>A on the coding strand, the complement: GALC is on the minus strand). VCF-style: chr14-87939945-A-T. GRCh37 (hg19) VCF-style: chr14-88406289-A-T.
Other names: c.1802T>A, p.Val601Asp (NM_001201401.2); c.1793T>A, p.Val598Asp (NM_001201402.2); short protein forms V624D, V598D, V601D.
Identifiers: ClinVar variation 1402361 (VCV001402361.7), dbSNP rs1308536313, ClinGen allele CA390745485.

ClinVar aggregate classification (germline): Uncertain significance. Review status: criteria provided, multiple submitters, no conflicts (2 of 4 stars). 2 submissions from 2 submitters: Uncertain significance (2). Last evaluated 2024-11-14.

Conditions:
Galactosylceramide beta-galactosidase deficiency. Also called: Krabbe Disease; GALACTOCEREBROSIDASE DEFICIENCY; GALC DEFICIENCY; GLOBOID CELL LEUKOENCEPHALOPATHY; Leukodystrophy, Globoid Cell. Identifiers: Orphanet 487, MedGen C0023521, MONDO:0009499, OMIM 245200.

Allele frequency attached by ClinVar (database versions not stated): gnomAD exomes below 0.00001 and 0.00001.

Submissions (2):

Revvity Omics, Revvity
Classification: Uncertain significance. Last evaluated: 2024-11-14. Review status: criteria provided, single submitter. Criteria: ACMG Guidelines, 2015. Collection method: clinical testing. Allele origin: germline.

Labcorp Genetics (formerly Invitae), Labcorp
Classification: Uncertain significance for Galactosylceramide beta-galactosidase deficiency. Last evaluated: 2023-09-10. Review status: criteria provided, single submitter. Criteria: Invitae Variant Classification Sherloc (09022015). Collection method: clinical testing. Allele origin: germline.
Comment: In summary, the available evidence is currently insufficient to determine the role of this variant in disease. Therefore, it has been classified as a Variant of Uncertain Significance. Advanced modeling of protein sequence and biophysical properties (such as structural, functional, and spatial information, amino acid conservation, physicochemical variation, residue mobility, and thermodynamic stability) performed at Invitae indicates that this missense variant is expected to disrupt GALC protein function. ClinVar contains an entry for this variant (Variation ID: 1402361). This variant has not been reported in the literature in individuals affected with GALC-related conditions. This variant is present in population databases (no rsID available, gnomAD 0.006%). This sequence change replaces valine, which is neutral and non-polar, with aspartic acid, which is acidic and polar, at codon 624 of the GALC protein (p.Val624Asp).